The following is an entry in ClinVar:

ClinVar aggregate classification (germline): Pathogenic (1 of 4 stars; one submission).

Submission:

Labcorp Genetics (formerly Invitae), Labcorp
Classification: Pathogenic. Last evaluated: 2024-12-18. Review status: criteria provided, single submitter. Criteria: Invitae Variant Classification Sherloc (09022015). Collection method: clinical testing. Allele origin: germline.
Comment: This sequence change creates a premature translational stop signal (p.Gly31Alafs*5) in the NANS gene. It is expected to result in an absent or disrupted protein product. Loss-of-function variants in NANS are known to be pathogenic (PMID: 27213289). This variant is present in population databases (no rsID available, gnomAD 0.005%). This variant has not been reported in the literature in individuals affected with NANS-related conditions. ClinVar contains an entry for this variant (Variation ID: 1459209). For these reasons, this variant has been classified as Pathogenic.

Literature cited by the submitters: PubMed 27213289.

NM_018946.4(NANS):c.92del (p.Gly31fs)

Genes: NANS (N-acetylneuraminate synthase; plus strand), TRIM14 (tripartite motif containing 14; minus strand). Cytogenetic location: 9q22.33.
Variant type: Deletion.
Coding change: c.92del on transcript NM_018946.4 (MANE Select); coding-DNA position 92, one base deleted (G; older notation c.92delG).
Protein change: p.Gly31fs; shifts the reading frame from glycine 31.
Molecular consequence: frameshift variant.
Genome position (GRCh38, 1-based): chr9:98,056,900, G deleted; the last of 3 consecutive G bases (chr9:98,056,898-98,056,900); deleting any one gives the same sequence. VCF-style (leftmost placement, unchanged base first): chr9-98056897-AG-A. GRCh37 (hg19) VCF-style: chr9-100819179-AG-A.
Other names: short protein forms G31fs.
Identifiers: ClinVar variation 1459209 (VCV001459209.6), dbSNP rs1459077847, ClinGen allele CA589335835.
Genomic context (GRCh38, chr9:98,056,897, plus strand): 5'-GGCGCTGGGTGGGCGGGCAACACCCGTGCTTCATCATTGCCGAGATCGGCCAGAACCACC[AG>A]GGCGACCTGGACGTAGCCAAGCGCATGATCCGCATGGCCAAGGTGAGGCGGCAGCTCCCG-3'